The following is an entry in ClinVar:

NM_003072.5(SMARCA4):c.995C>T (p.Ser332Phe)

Gene: SMARCA4 (SWI/SNF related BAF chromatin remodeling complex subunit ATPase 4; plus strand). Cytogenetic location: 19p13.2.
Variant type: single nucleotide variant.
Coding change: c.995C>T on transcript NM_003072.5 (MANE Select); coding-DNA position 995, C replaced by T.
Protein change: p.Ser332Phe; replaces serine 332 with phenylalanine.
Molecular consequence: missense variant. On other transcripts: non-coding transcript variant (1).
Genome position (GRCh38, 1-based): chr19:10,987,801, C>T. VCF-style: chr19-10987801-C-T. GRCh37 (hg19) VCF-style: chr19-11098477-C-T.
Other names: c.995C>T (NM_001128849.1); c.995C>T, p.Ser332Phe (NM_001128844.3, NM_001128845.2, NM_001128846.2 and 5 more transcripts); short protein forms S332F.
Identifiers: ClinVar variation 1517388 (VCV001517388.10), dbSNP rs1013942482, ClinGen allele CA305287489.

ClinVar aggregate classification (germline): Uncertain significance. Review status: criteria provided, multiple submitters, no conflicts (2 of 4 stars). 2 submissions from 2 submitters: Uncertain significance (2). Last evaluated 2025-11-05.

Conditions:
Hereditary cancer-predisposing syndrome. Also called: Tumor predisposition; Neoplastic Syndromes, Hereditary; Hereditary neoplastic syndrome; Hereditary Cancer Syndrome. Identifiers: Orphanet 140162, MedGen C0027672, MeSH D009386, MONDO:0015356.
Rhabdoid tumor predisposition syndrome 2 (RTPS2). Identifiers: Orphanet 231108, Orphanet 69077, MedGen C2750074, MONDO:0013224, OMIM 613325.

Submissions (2):

Labcorp Genetics (formerly Invitae), Labcorp
Classification: Uncertain significance for Rhabdoid tumor predisposition syndrome 2. Last evaluated: 2025-11-05. Review status: criteria provided, single submitter. Criteria: Invitae Variant Classification Sherloc (09022015). Collection method: clinical testing. Allele origin: germline.
Comment: This sequence change replaces serine, which is neutral and polar, with phenylalanine, which is neutral and non-polar, at codon 332 of the SMARCA4 protein (p.Ser332Phe). This variant is not present in population databases (gnomAD no frequency). This variant has not been reported in the literature in individuals affected with SMARCA4-related conditions. ClinVar contains an entry for this variant (Variation ID: 1517388). Invitae Evidence Modeling of protein sequence and biophysical properties (such as structural, functional, and spatial information, amino acid conservation, physicochemical variation, residue mobility, and thermodynamic stability) has been performed for this missense variant. However, the output from this modeling did not meet the statistical confidence thresholds required to predict the impact of this variant on SMARCA4 protein function. In summary, the available evidence is currently insufficient to determine the role of this variant in disease. Therefore, it has been classified as a Variant of Uncertain Significance.

Ambry Genetics
Classification: Uncertain significance for Hereditary cancer-predisposing syndrome. Last evaluated: 2024-05-20. Review status: criteria provided, single submitter. Criteria: Ambry Variant Classification Scheme 2023. Collection method: clinical testing. Allele origin: germline.
Comment: The p.S332F variant (also known as c.995C>T), located in coding exon 5 of the SMARCA4 gene, results from a C to T substitution at nucleotide position 995. The serine at codon 332 is replaced by phenylalanine, an amino acid with highly dissimilar properties. This amino acid position is well conserved in available vertebrate species. In addition, the in silico prediction for this alteration is inconclusive. Missense and in-frame variants in SMARCA4 are known to cause neurodevelopmental disorders; however, such associations with rhabdoid tumor predisposition syndrome including small cell carcinoma of the ovary-hypercalcemic type (SCCOHT) are exceedingly rare (Kosho T et al. Am J Med Genet C Semin Med Genet. 2014 Sep;166C(3):262-75; Jelinic P et al. Nat Genet. 2014 May;46(5):424-6). Based on the supporting evidence, the association of this alteration with Coffin-Siris syndrome is unknown; however, the association of this alteration with rhabdoid tumor predisposition syndrome is unlikely.